The following is an entry in ClinVar:

NM_004655.4(AXIN2):c.1713-4A>T

Gene: AXIN2 (axin 2; minus strand). Cytogenetic location: 17q24.1.
Variant type: single nucleotide variant.
Coding change: c.1713-4A>T on transcript NM_004655.4 (MANE Select); 4 bases into the intron before coding-DNA position 1713, A replaced by T.
Molecular consequence: intron variant.
Genome position (GRCh38, 1-based): chr17:65,537,067, T>A on the plus strand (A>T on the coding strand, the complement: AXIN2 is on the minus strand). VCF-style: chr17-65537067-T-A. GRCh37 (hg19) VCF-style: chr17-63533185-T-A.
Other names: c.1712+257A>T (NM_001363813.1).
Identifiers: ClinVar variation 3378948 (VCV003378948.1).

ClinVar aggregate classification (germline): Likely benign (1 of 4 stars; one submission).

Conditions:
Oligodontia-cancer predisposition syndrome. Also called: TOOTH AGENESIS-COLORECTAL CANCER SYNDROME. Identifiers: Orphanet 300576, MedGen C1837750, MONDO:0012075, OMIM 608615. Disease mechanism: loss of function.

Submission:

Myriad Genetics, Inc.
Classification: Likely benign for Oligodontia-cancer predisposition syndrome. Last evaluated: 2024-07-08. Review status: criteria provided, single submitter. Criteria: Myriad Autosomal Dominant, Autosomal Recessive and X-Linked Classification Criteria (2023). Collection method: clinical testing. Allele origin: unknown.
Comment: This variant is considered likely benign. This variant is intronic and is not expected to impact mRNA splicing.